The following is an entry in ClinVar:

ClinVar aggregate classification (germline): Uncertain significance. Review status: criteria provided, multiple submitters, no conflicts (2 of 4 stars). 2 submissions from 2 submitters: Uncertain significance (2). Last evaluated 2023-07-03.

Conditions:
Epileptic encephalopathy. Identifiers: MedGen C0543888, HP:0200134.

Allele frequency attached by ClinVar (database versions not stated): ExAC 0.00003; TOPMed 0.00003; gnomAD exomes 0.00005; gnomAD 0.00007.
gnomAD v4.1: 66 of 1,608,734 alleles (0.0041%); highest among the groups gnomAD compares: Admixed American, 0.023%; 1 homozygote.

Submissions (2):

Labcorp Genetics (formerly Invitae), Labcorp
Classification: Uncertain significance for Epileptic encephalopathy. Last evaluated: 2023-07-03. Review status: criteria provided, single submitter. Criteria: Invitae Variant Classification Sherloc (09022015). Collection method: clinical testing. Allele origin: germline.
Comment: In summary, the available evidence is currently insufficient to determine the role of this variant in disease. Therefore, it has been classified as a Variant of Uncertain Significance. An algorithm developed to predict the effect of missense changes on protein structure and function (PolyPhen-2) suggests that this variant is likely to be tolerated. ClinVar contains an entry for this variant (Variation ID: 933546). This variant has not been reported in the literature in individuals affected with FASN-related conditions. This variant is present in population databases (rs745655516, gnomAD 0.01%). This sequence change replaces glutamic acid, which is acidic and polar, with lysine, which is basic and polar, at codon 2051 of the FASN protein (p.Glu2051Lys).

Breakthrough Genomics
Classification: Uncertain significance. Review status: criteria provided, single submitter. Criteria: ACMG Guidelines, 2015. Collection method: not provided. Allele origin: germline. Inheritance: Unknown mechanism. Affected: yes.

NM_004104.5(FASN):c.6151G>A (p.Glu2051Lys)

Gene: FASN (fatty acid synthase; minus strand). Cytogenetic location: 17q25.3.
Variant type: single nucleotide variant.
Coding change: c.6151G>A on transcript NM_004104.5 (MANE Select); coding-DNA position 6151, G replaced by A.
Protein change: p.Glu2051Lys; replaces glutamic acid 2051 with lysine.
Molecular consequence: missense variant.
Genome position (GRCh38, 1-based): chr17:82,082,021, C>T on the plus strand (G>A on the coding strand, the complement: FASN is on the minus strand). VCF-style: chr17-82082021-C-T. GRCh37 (hg19) VCF-style: chr17-80039897-C-T.
Other names: short protein forms E2051K.
Identifiers: ClinVar variation 933546 (VCV000933546.7), dbSNP rs745655516, ClinGen allele CA8851419.